The following is an entry in ClinVar:

NC_000017.10:g.(?_16842841)_(16855917_?)del

Gene: TNFRSF13B (TNF receptor superfamily member 13B; minus strand). Cytogenetic location: 17p11.2.
Variant type: Deletion.
Identifiers: ClinVar variation 1068411 (VCV001068411.2).

ClinVar aggregate classification (germline): Likely pathogenic (1 of 4 stars; one submission).

Conditions:
Immunodeficiency, common variable, 2 (CVID2). Also called: ANTIBODY DEFICIENCY DUE TO TACI DEFECT; HYPOGAMMAGLOBULINEMIA DUE TO TACI DEFICIENCY. Identifiers: Orphanet 1572, MedGen C3150354, MONDO:0009413, OMIM 240500.

Submission:

Labcorp Genetics (formerly Invitae), Labcorp
Classification: Likely pathogenic for Immunodeficiency, common variable, 2. Last evaluated: 2022-02-24. Review status: criteria provided, single submitter. Criteria: Invitae Variant Classification Sherloc (09022015). Collection method: clinical testing. Allele origin: germline.
Comment: This variant is a gross deletion of the genomic region encompassing exon(s) 2-5 of the TNFRSF13B gene, which includes the termination codon. This deletion extends beyond the assayed region for this gene and therefore may encompass additional genes. While this deletion is not anticipated to lead to nonsense mediated decay, it is expected to alter mRNA translation or result in a truncated protein product. This variant has not been reported in the literature in individuals affected with TNFRSF13B-related conditions. Experimental studies and prediction algorithms are not available or were not evaluated, and the functional significance of this variant is currently unknown. This variant disrupts the p.Cys104 amino acid residue in TNFRSF13B. Other variant(s) that disrupt this residue have been determined to be pathogenic (PMID: 18981294, 22884984, 27123465). This suggests that this residue is clinically significant, and that variants that disrupt this residue are likely to be disease-causing. In summary, the currently available evidence indicates that the variant is pathogenic, but additional data are needed to prove that conclusively. Therefore, this variant has been classified as Likely Pathogenic.

Literature cited by the submitters: PubMed 18981294; PubMed 22884984; PubMed 27123465.